The following is an entry in ClinVar:

ClinVar aggregate classification (germline): Uncertain significance (1 of 4 stars; one submission).

Allele frequency attached by ClinVar (database versions not stated): gnomAD exomes 0.00001.
gnomAD v4.1: 2 of 1,248,888 alleles (0.00016%); highest among the groups gnomAD compares: Middle Eastern, 0.031%; no homozygotes.

Submission:

Labcorp Genetics (formerly Invitae), Labcorp
Classification: Uncertain significance. Last evaluated: 2024-06-03. Review status: criteria provided, single submitter. Criteria: Invitae Variant Classification Sherloc (09022015). Collection method: clinical testing. Allele origin: germline.
Comment: This sequence change replaces alanine, which is neutral and non-polar, with threonine, which is neutral and polar, at codon 108 of the NKX6-2 protein (p.Ala108Thr). This variant is not present in population databases (gnomAD no frequency). This variant has not been reported in the literature in individuals affected with NKX6-2-related conditions. ClinVar contains an entry for this variant (Variation ID: 1479308). Advanced modeling of protein sequence and biophysical properties (such as structural, functional, and spatial information, amino acid conservation, physicochemical variation, residue mobility, and thermodynamic stability) performed at Invitae indicates that this missense variant is not expected to disrupt NKX6-2 protein function with a negative predictive value of 80%. In summary, the available evidence is currently insufficient to determine the role of this variant in disease. Therefore, it has been classified as a Variant of Uncertain Significance.

NM_177400.3(NKX6-2):c.322G>A (p.Ala108Thr)

Gene: NKX6-2 (NK6 homeobox 2; minus strand). Cytogenetic location: 10q26.3.
Variant type: single nucleotide variant.
Coding change: c.322G>A on transcript NM_177400.3 (MANE Select); coding-DNA position 322, G replaced by A.
Protein change: p.Ala108Thr; replaces alanine 108 with threonine.
Molecular consequence: missense variant.
Genome position (GRCh38, 1-based): chr10:132,785,627, C>T on the plus strand (G>A on the coding strand, the complement: NKX6-2 is on the minus strand). VCF-style: chr10-132785627-C-T. GRCh37 (hg19) VCF-style: chr10-134599131-C-T.
Other names: short protein forms A108T.
Identifiers: ClinVar variation 1479308 (VCV001479308.8), dbSNP rs2134706880, ClinGen allele CA378771007.